The following is an entry in ClinVar:

NM_001321739.2(M1AP):c.366A>G (p.Gln122=)

Gene: M1AP (meiosis 1 associated protein; minus strand). Cytogenetic location: 2p13.1.
Variant type: single nucleotide variant.
Coding change: c.366A>G on transcript NM_001321739.2 (MANE Select); coding-DNA position 366, A replaced by G.
Protein change: p.Gln122=; no amino-acid change (glutamine 122 retained).
Molecular consequence: synonymous variant.
Genome position (GRCh38, 1-based): chr2:74,615,024, T>C on the plus strand (A>G on the coding strand, the complement: M1AP is on the minus strand). VCF-style: chr2-74615024-T-C. GRCh37 (hg19) VCF-style: chr2-74842151-T-C.
Other names: c.366A>G, p.Gln122= (NM_001281295.2, NM_001281296.2, NM_138804.5).
Identifiers: ClinVar variation 3234146 (VCV003234146.20), dbSNP rs34629223, ClinGen allele CA1730068.
Genomic context (GRCh38, chr2:74,615,024, plus strand): 5'-CTCCAGGGAGGTATAGGTCAGAGCTGCCCTTGTGGTCACATGTCTGCTGTATTGTTTGAA[T>C]TGCTGGAGCCCATCCTCTACTGCCAGCCGCAGAGAAGCACCTTGTGATCTGAAACACCCT-3'
Protein context (NP_001308668.1, residues 112-132): LRLAVEDGLQ[Gln122=]FKQYSRHVTT

ClinVar aggregate classification (germline): Likely benign (1 of 4 stars; one submission).

Allele frequency attached by ClinVar (database versions not stated): 1000 Genomes Project 0.00280; 1000 Genomes Project 30x 0.00328; gnomAD 0.00539; TOPMed 0.00552; ExAC 0.00622; ESP Exome Variant Server 0.00723; gnomAD exomes 0.00802.
gnomAD v4.1: 12,430 of 1,614,156 alleles (0.77%); highest among the groups gnomAD compares: Non-Finnish European, 0.97%; 50 homozygotes.

Submission:

CeGaT Center for Human Genetics Tuebingen
Classification: Likely benign. Last evaluated: 2024-04-01. Review status: criteria provided, single submitter. Criteria: CeGaT Center For Human Genetics Tuebingen Variant Classification Criteria Version 2. Collection method: clinical testing. Allele origin: germline. Affected: yes. Observed: 1 variant allele.
Comment: M1AP: BP4, BP7, BS2